The following is an entry in ClinVar:

ClinVar aggregate classification (germline): Likely benign (1 of 4 stars; one submission).

Allele frequency attached by ClinVar (database versions not stated): gnomAD exomes below 0.00001; gnomAD 0.00001.
gnomAD v4.1: 2 of 1,614,064 alleles (0.00012%); highest among the groups gnomAD compares: Admixed American, 0.0017%; no homozygotes.

Submission:

CeGaT Center for Human Genetics Tuebingen
Classification: Likely benign. Last evaluated: 2023-12-01. Review status: criteria provided, single submitter. Criteria: CeGaT Center For Human Genetics Tuebingen Variant Classification Criteria Version 2. Collection method: clinical testing. Allele origin: germline. Affected: yes. Observed: 1 variant allele.
Comment: DDX11: BP4, BP7

NM_030653.4(DDX11):c.1641C>T (p.Ala547=)

Gene: DDX11 (DEAD/H-box helicase 11; plus strand). Cytogenetic location: 12p11.21.
Variant type: single nucleotide variant.
Coding change: c.1641C>T on transcript NM_030653.4 (MANE Select); coding-DNA position 1641, C replaced by T.
Protein change: p.Ala547=; no amino-acid change (alanine 547 retained).
Molecular consequence: synonymous variant. On other transcripts: non-coding transcript variant (4).
Genome position (GRCh38, 1-based): chr12:31,096,869, C>T. VCF-style: chr12-31096869-C-T. GRCh37 (hg19) VCF-style: chr12-31249803-C-T.
Other names: c.1641C>T, p.Ala547= (NM_001257144.2, NM_001413692.1, NM_001413693.1 and 5 more transcripts); c.1563C>T, p.Ala521= (NM_001257145.2, NM_001413697.1, NM_001413698.1 and 1 more transcripts); c.1554C>T, p.Ala518= (NM_001413700.1); c.1113C>T, p.Ala371= (NM_001413702.1, NM_001413703.1); c.780C>T, p.Ala260= (NM_001413704.1, NM_001413705.1); c.675C>T, p.Ala225= (NM_001413706.1).
Identifiers: ClinVar variation 3026622 (VCV003026622.22), dbSNP rs1468074859, ClinGen allele CA479229530.
Genomic context (GRCh38, chr12:31,096,869, plus strand): 5'-TGTGTGGACCTGACCAGAGGGAGGCCTCCTCCCCGTTCTGCTCTGTGCAGCTCTTGCAGC[C>T]CCTGCAGACGAGAGTCAGGCCAGCACCCTGCGACCAGCTTCTCCACTGATGCACATCCAA-3'
Protein context (NP_085911.2, residues 537-557): LQPRTTEALA[Ala547=]PADESQASTL